The following is an entry in ClinVar:

ClinVar aggregate classification (germline): Likely pathogenic (1 of 4 stars; one submission).

Conditions:
Granulomatous disease, chronic, autosomal recessive, cytochrome b-positive, type 2. Also called: GRANULOMATOUS DISEASE, CHRONIC, AUTOSOMAL RECESSIVE, 2; GRANULOMATOUS DISEASE, CHRONIC, DUE TO NCF2 DEFICIENCY; Chronic granulomatous disease due to deficiency of NCF-2; Chronic Granulomatous Disease, Autosomal Recessive, Cytochrome b-Positive, Type II; CGD, AUTOSOMAL RECESSIVE CYTOCHROME b-POSITIVE, TYPE II. Identifiers: Orphanet 379, MedGen C1856245, MONDO:0009310, OMIM 233710.

Submission:

Labcorp Genetics (formerly Invitae), Labcorp
Classification: Likely pathogenic for Granulomatous disease, chronic, autosomal recessive, cytochrome b-positive, type 2. Last evaluated: 2021-05-26. Review status: criteria provided, single submitter. Criteria: Invitae Variant Classification Sherloc (09022015). Collection method: clinical testing. Allele origin: germline.
Comment: In summary, the currently available evidence indicates that the variant is pathogenic, but additional data are needed to prove that conclusively. Therefore, this variant has been classified as Likely Pathogenic. Algorithms developed to predict the effect of sequence changes on RNA splicing suggest that this variant may disrupt the consensus splice site, but this prediction has not been confirmed by published transcriptional studies. This variant has been observed in individual(s) with clinical features of chronic granulomatous disease (Invitae). This variant is not present in population databases (ExAC no frequency). This sequence change affects a donor splice site in intron 6 of the NCF2 gene. It is expected to disrupt RNA splicing. Variants that disrupt the donor or acceptor splice site typically lead to a loss of protein function (PMID: 16199547), and loss-of-function variants in NCF2 are known to be pathogenic (PMID: 10498624, 20167518).

Literature cited by the submitters: PubMed 16199547; PubMed 10498624; PubMed 20167518.

NM_000433.4(NCF2):c.669+1G>A

Gene: NCF2 (neutrophil cytosolic factor 2; minus strand). Cytogenetic location: 1q25.3.
Variant type: single nucleotide variant.
Coding change: c.669+1G>A on transcript NM_000433.4 (MANE Select); the canonical splice donor site of the intron after coding-DNA position 669, G replaced by A.
Molecular consequence: splice donor variant.
Genome position (GRCh38, 1-based): chr1:183,570,779, C>T on the plus strand (G>A on the coding strand, the complement: NCF2 is on the minus strand). VCF-style: chr1-183570779-C-T. GRCh37 (hg19) VCF-style: chr1-183539914-C-T.
Other names: c.561+1G>A (NM_001410895.1); c.669+1G>A (NM_001127651.3); c.426+1G>A (NM_001190789.2); c.534+1G>A (NM_001190794.2).
Identifiers: ClinVar variation 1476594 (VCV001476594.8), dbSNP rs2102898304, ClinGen allele CA343674705.